The following is an entry in ClinVar:

ClinVar aggregate classification (germline): Uncertain significance (1 of 4 stars; one submission).

Conditions:
Cardiomyopathy (CMYO). Also called: Cardiomyopathies. Identifiers: Orphanet 167848, MedGen C0878544, MONDO:0004994, HP:0001638. Inheritance: Various modes of inheritance.

Submission:

Color Diagnostics, LLC DBA Color Health
Classification: Uncertain significance for Cardiomyopathy. Last evaluated: 2025-09-18. Review status: criteria provided, single submitter. Criteria: ACMG Guidelines, 2015. Collection method: clinical testing. Allele origin: germline.
Comment: This missense variant replaces proline with alanine at codon 375 of the MYH7 protein. Computational prediction suggests that this variant may not impact protein structure and function. To our knowledge, functional studies have not been reported for this variant. This variant has not been reported in individuals affected with MYH7-related disorders in the literature. This variant has not been identified in the general population by the Genome Aggregation Database (gnomAD). The available evidence is insufficient to determine the role of this variant in disease conclusively. Therefore, this variant is classified as a Variant of Uncertain Significance.

NM_000257.4(MYH7):c.1123C>G (p.Pro375Ala)

Gene: MYH7 (myosin heavy chain 7; minus strand). Cytogenetic location: 14q11.2.
Variant type: single nucleotide variant.
Coding change: c.1123C>G on transcript NM_000257.4 (MANE Select); coding-DNA position 1123, C replaced by G.
Protein change: p.Pro375Ala; replaces proline 375 with alanine.
Molecular consequence: missense variant.
Genome position (GRCh38, 1-based): chr14:23,429,790, G>C on the plus strand (C>G on the coding strand, the complement: MYH7 is on the minus strand). VCF-style: chr14-23429790-G-C. GRCh37 (hg19) VCF-style: chr14-23898999-G-C.
Other names: c.1123C>G, p.Pro375Ala (NM_001407004.1); short protein forms P375A.
Identifiers: ClinVar variation 4756395 (VCV004756395.1).